The following is an entry in ClinVar:

ClinVar aggregate classification (germline): Uncertain significance (1 of 4 stars; one submission).

Conditions:
Dilated cardiomyopathy 1JJ (CMD1JJ). Identifiers: Orphanet 154, MedGen C3808935, MONDO:0014095, OMIM 615235.

gnomAD v4.1: 1 of 1,608,502 alleles (0.000062%); highest among the groups gnomAD compares: African/African-American, 0.0013%; no homozygotes.

Submission:

Labcorp Genetics (formerly Invitae), Labcorp
Classification: Uncertain significance for Dilated cardiomyopathy 1JJ. Last evaluated: 2023-01-20. Review status: criteria provided, single submitter. Criteria: Invitae Variant Classification Sherloc (09022015). Collection method: clinical testing. Allele origin: germline.
Comment: In summary, the available evidence is currently insufficient to determine the role of this variant in disease. Therefore, it has been classified as a Variant of Uncertain Significance. Algorithms developed to predict the effect of missense changes on protein structure and function (SIFT, PolyPhen-2, Align-GVGD) all suggest that this variant is likely to be disruptive. This variant has not been reported in the literature in individuals affected with LAMA4-related conditions. This variant is not present in population databases (gnomAD no frequency). This sequence change replaces alanine, which is neutral and non-polar, with valine, which is neutral and non-polar, at codon 891 of the LAMA4 protein (p.Ala891Val).

NM_001105206.3(LAMA4):c.2693C>T (p.Ala898Val)

Genes: LAMA4 (laminin subunit alpha 4; minus strand), LOC126859766 (MED14-independent group 3 enhancer GRCh37_chr6:112462018-112463217; plus strand). Cytogenetic location: 6q21.
Variant type: single nucleotide variant.
Coding change: c.2693C>T on transcript NM_001105206.3 (MANE Select); coding-DNA position 2693, C replaced by T.
Protein change: p.Ala898Val; replaces alanine 898 with valine.
Molecular consequence: missense variant.
Genome position (GRCh38, 1-based): chr6:112,141,478, G>A on the plus strand (C>T on the coding strand, the complement: LAMA4 is on the minus strand). VCF-style: chr6-112141478-G-A. GRCh37 (hg19) VCF-style: chr6-112462680-G-A.
Other names: c.2672C>T, p.Ala891Val (NM_001105207.3, NM_002290.5); short protein forms A898V, A891V.
Identifiers: ClinVar variation 2955682 (VCV002955682.3), dbSNP rs1554333230, ClinGen allele CA365380367.